The following is an entry in ClinVar:

ClinVar aggregate classification (germline): Uncertain significance. Review status: criteria provided, multiple submitters, no conflicts (2 of 4 stars). 2 submissions from 2 submitters: Uncertain significance (2). Last evaluated 2023-12-13.

Conditions:
Brugada syndrome 8 (BRGDA8). Identifiers: Orphanet 130, MedGen C2751083, MONDO:0013148, OMIM 613123.

Allele frequency attached by ClinVar (database versions not stated): TOPMed below 0.00001.
gnomAD v4.1: 1 of 1,471,662 alleles (0.000068%); highest among the groups gnomAD compares: Non-Finnish European, 0.000089%; no homozygotes.

Submissions (2):

Labcorp Genetics (formerly Invitae), Labcorp
Classification: Uncertain significance for Brugada syndrome 8. Last evaluated: 2023-12-13. Review status: criteria provided, single submitter. Criteria: Invitae Variant Classification Sherloc (09022015). Collection method: clinical testing. Allele origin: germline.
Comment: This sequence change replaces serine, which is neutral and polar, with leucine, which is neutral and non-polar, at codon 164 of the HCN4 protein (p.Ser164Leu). This variant is not present in population databases (gnomAD no frequency). This variant has not been reported in the literature in individuals affected with HCN4-related conditions. ClinVar contains an entry for this variant (Variation ID: 1433329). Advanced modeling of protein sequence and biophysical properties (such as structural, functional, and spatial information, amino acid conservation, physicochemical variation, residue mobility, and thermodynamic stability) performed at Invitae indicates that this missense variant is not expected to disrupt HCN4 protein function with a negative predictive value of 95%. In summary, the available evidence is currently insufficient to determine the role of this variant in disease. Therefore, it has been classified as a Variant of Uncertain Significance.

GeneDx
Classification: Uncertain significance. Last evaluated: 2022-04-18. Review status: criteria provided, single submitter. Criteria: GeneDx Variant Classification Process June 2021. Collection method: clinical testing. Allele origin: germline. Affected: yes.
Comment: In silico analysis supports that this missense variant does not alter protein structure/function; Has not been previously published as pathogenic or benign to our knowledge

NM_005477.3(HCN4):c.491C>T (p.Ser164Leu)

Gene: HCN4 (hyperpolarization activated cyclic nucleotide gated potassium channel 4; minus strand). Cytogenetic location: 15q24.1.
Variant type: single nucleotide variant.
Coding change: c.491C>T on transcript NM_005477.3 (MANE Select); coding-DNA position 491, C replaced by T.
Protein change: p.Ser164Leu; replaces serine 164 with leucine.
Molecular consequence: missense variant.
Genome position (GRCh38, 1-based): chr15:73,367,780, G>A on the plus strand (C>T on the coding strand, the complement: HCN4 is on the minus strand). VCF-style: chr15-73367780-G-A. GRCh37 (hg19) VCF-style: chr15-73660121-G-A.
Other names: short protein forms S164L.
Identifiers: ClinVar variation 1433329 (VCV001433329.8), dbSNP rs1214785817, ClinGen allele CA393097857.